The following is an entry in ClinVar:

ClinVar aggregate classification (germline): Benign/Likely benign. Review status: criteria provided, multiple submitters, no conflicts (2 of 4 stars). 5 submissions from 5 submitters: Benign (3); Likely benign (2). Last evaluated 2025-12-15.

Allele frequency attached by ClinVar (database versions not stated): gnomAD exomes 0.00014; ExAC 0.00024; 1000 Genomes Project 0.00053; 1000 Genomes Project 30x 0.00062; gnomAD 0.00063; ESP Exome Variant Server 0.00066; TOPMed 0.00066.
gnomAD v4.1: 148 of 1,189,141 alleles (0.012%); highest among the groups gnomAD compares: African/African-American, 0.18%; no homozygotes.

Submissions (5):

Labcorp Genetics (formerly Invitae), Labcorp
Classification: Benign. Last evaluated: 2025-12-15. Review status: criteria provided, single submitter. Criteria: Invitae Variant Classification Sherloc (09022015). Collection method: clinical testing. Allele origin: germline.

CeGaT Center for Human Genetics Tuebingen
Classification: Likely benign. Last evaluated: 2025-09-01. Review status: criteria provided, single submitter. Criteria: CeGaT Center For Human Genetics Tuebingen Variant Classification Criteria Version 2. Collection method: clinical testing. Allele origin: germline. Affected: yes. Observed: 2 variant alleles.
Comment: CLCN4: BP4, BP7, BS2

Blueprint Genetics
Classification: Likely benign. Last evaluated: 2024-06-07. Review status: criteria provided, single submitter. Criteria: ACMG Guidelines, 2015. Collection method: clinical testing. Allele origin: germline.

GeneDx
Classification: Benign. Last evaluated: 2020-01-15. Review status: criteria provided, single submitter. Criteria: GeneDx Variant Classification Process June 2021. Collection method: clinical testing. Allele origin: germline. Affected: yes.

Breakthrough Genomics
Classification: Benign. Review status: criteria provided, single submitter. Criteria: ACMG Guidelines, 2015. Collection method: not provided. Allele origin: germline. Inheritance: X-linked inheritance. Affected: yes.

NM_001830.4(CLCN4):c.1575C>T (p.Leu525=)

Gene: CLCN4 (Cl-/H+ antiporter 4; plus strand). Cytogenetic location: Xp22.2.
Variant type: single nucleotide variant.
Coding change: c.1575C>T on transcript NM_001830.4 (MANE Select); coding-DNA position 1575, C replaced by T.
Protein change: p.Leu525=; no amino-acid change (leucine 525 retained).
Molecular consequence: synonymous variant.
Genome position (GRCh38, 1-based): chrX:10,212,652, C>T. VCF-style: chrX-10212652-C-T. GRCh37 (hg19) VCF-style: chrX-10180692-C-T.
Other names: c.1293C>T, p.Leu431= (NM_001256944.2).
Identifiers: ClinVar variation 695942 (VCV000695942.38), dbSNP rs112652769, ClinGen allele CA10347249.